The following is an entry in ClinVar:

NM_001039803.3(CDK20):c.624C>T (p.Asn208=)

Gene: CDK20 (cyclin dependent kinase 20; minus strand). Cytogenetic location: 9q22.1.
Variant type: single nucleotide variant.
Coding change: c.624C>T on transcript NM_001039803.3 (MANE Select); coding-DNA position 624, C replaced by T.
Protein change: p.Asn208=; no amino-acid change (asparagine 208 retained).
Molecular consequence: synonymous variant. On other transcripts: intron variant (1).
Genome position (GRCh38, 1-based): chr9:87,969,859, G>A on the plus strand (C>T on the coding strand, the complement: CDK20 is on the minus strand). VCF-style: chr9-87969859-G-A. GRCh37 (hg19) VCF-style: chr9-90584774-G-A.
Other names: c.561C>T, p.Asn187= (NM_001170639.2, NM_012119.5); c.600C>T, p.Asn200= (NM_178432.4); c.501-510C>T (NM_001170640.2).
Identifiers: ClinVar variation 4989096 (VCV004989096.1).

ClinVar aggregate classification (germline): Likely benign (1 of 4 stars; one submission).

Conditions:
CDK20-related disorder. Also called: CDK20-related condition.

Submission:

PreventionGenetics, part of Exact Sciences
Classification: Likely benign for CDK20-related condition. Last evaluated: 2024-12-20. Review status: criteria provided, single submitter. Criteria: ACMG Guidelines, 2015. Collection method: clinical testing. Allele origin: germline.
Comment: This variant is classified as likely benign based on ACMG/AMP sequence variant interpretation guidelines (Richards et al. 2015 PMID: 25741868, with internal and published modifications).